The following is an entry in ClinVar:

NM_014516.4(CNOT3):c.2232C>A (p.Tyr744Ter)

Genes: CNOT3 (CCR4-NOT transcription complex subunit 3; plus strand), LENG1 (leukocyte receptor cluster member 1; minus strand). Cytogenetic location: 19q13.42.
Variant type: single nucleotide variant.
Coding change: c.2232C>A on transcript NM_014516.4 (MANE Select); coding-DNA position 2232, C replaced by A.
Protein change: p.Tyr744Ter; replaces tyrosine 744 with a stop codon.
Molecular consequence: nonsense. On other transcripts: 3 prime UTR variant (1).
Genome position (GRCh38, 1-based): chr19:54,155,377, C>A. VCF-style: chr19-54155377-C-A. GRCh37 (hg19) VCF-style: chr19-54659115-C-A.
Other names: c.*344G>T (NM_024316.3); short protein forms Y744*.
Identifiers: ClinVar variation 3363696 (VCV003363696.1).

ClinVar aggregate classification (germline): Uncertain significance (1 of 4 stars; one submission).

Submission:

GeneDx
Classification: Uncertain significance. Last evaluated: 2023-10-31. Review status: criteria provided, single submitter. Criteria: GeneDx Variant Classification Process June 2021. Collection method: clinical testing. Allele origin: germline. Affected: yes.
Comment: Nonsense variant predicted to result in protein truncation as the last 10 amino acids are lost, although loss-of-function variants have not been reported downstream of this position in the protein; Not observed at significant frequency in large population cohorts (gnomAD); Has not been previously published as pathogenic or benign to our knowledge